The following is an entry in ClinVar:

ClinVar aggregate classification (germline): Uncertain significance. Review status: criteria provided, multiple submitters, no conflicts (2 of 4 stars). 3 submissions from 3 submitters: Uncertain significance (3). Last evaluated 2024-09-15.

Conditions:
Primary hypomagnesemia (HOMG3). Also called: HYPOMAGNESEMIA 3, RENAL; HYPOMAGNESEMIA, FAMILIAL, WITH HYPERCALCIURIA AND NEPHROCALCINOSIS; HYPOMAGNESEMIA, ISOLATED RENAL; HYPOMAGNESEMIA, PRIMARY, DUE TO DEFECT IN RENAL TUBULAR TRANSPORT OF MAGNESIUM. Identifiers: Orphanet 31043, MedGen C0268448, MONDO:0009550, OMIM 248250.
Inborn genetic diseases. Identifiers: MedGen C0950123, MeSH D030342.

Allele frequency attached by ClinVar (database versions not stated): gnomAD exomes 0.00003 and 0.00008; ExAC 0.00010; ESP Exome Variant Server 0.00031; gnomAD 0.00034 and 0.00036; TOPMed 0.00037; 1000 Genomes Project 0.00040; 1000 Genomes Project 30x 0.00047.
gnomAD v4.1: 98 of 1,614,000 alleles (0.0061%); highest among the groups gnomAD compares: African/African-American, 0.13%; no homozygotes.

Submissions (3):

Labcorp Genetics (formerly Invitae), Labcorp
Classification: Uncertain significance. Last evaluated: 2024-09-15. Review status: criteria provided, single submitter. Criteria: Invitae Variant Classification Sherloc (09022015). Collection method: clinical testing. Allele origin: germline.
Comment: This sequence change replaces tyrosine, which is neutral and polar, with histidine, which is basic and polar, at codon 258 of the CLDN16 protein (p.Tyr258His). This variant is present in population databases (rs143097871, gnomAD 0.1%). This variant has not been reported in the literature in individuals affected with CLDN16-related conditions. ClinVar contains an entry for this variant (Variation ID: 1406091). An algorithm developed to predict the effect of missense changes on protein structure and function outputs the following: PolyPhen-2: "Benign". The histidine amino acid residue is found in multiple mammalian species, which suggests that this missense change does not adversely affect protein function. In summary, the available evidence is currently insufficient to determine the role of this variant in disease. Therefore, it has been classified as a Variant of Uncertain Significance.

Fulgent Genetics
Classification: Uncertain significance for Primary hypomagnesemia. Last evaluated: 2023-12-29. Review status: criteria provided, single submitter. Criteria: ACMG Guidelines, 2015. Collection method: clinical testing. Allele origin: germline.

Ambry Genetics
Classification: Uncertain significance for Inborn genetic diseases. Last evaluated: 2021-05-24. Review status: criteria provided, single submitter. Criteria: Ambry Variant Classification Scheme 2023. Collection method: clinical testing. Allele origin: germline.

NM_006580.4(CLDN16):c.562T>C (p.Tyr188His)

Gene: CLDN16 (claudin 16; plus strand). Cytogenetic location: 3q28.
Variant type: single nucleotide variant.
Coding change: c.562T>C on transcript NM_006580.4 (MANE Select); coding-DNA position 562, T replaced by C.
Protein change: p.Tyr188His; replaces tyrosine 188 with histidine.
Molecular consequence: missense variant.
Genome position (GRCh38, 1-based): chr3:190,408,493, T>C. VCF-style: chr3-190408493-T-C. GRCh37 (hg19) VCF-style: chr3-190126282-T-C.
Other names: c.562T>C, p.Tyr188His (NM_001378492.1, NM_001378493.1); c.772T>C (NM_006580.3); short protein forms Y188H.
Identifiers: ClinVar variation 1406091 (VCV001406091.9), dbSNP rs143097871, ClinGen allele CA2753894.
Genomic context (GRCh38, chr3:190,408,493, plus strand): 5'-CTCGGAATGGCTGGGTCTCTGGGTTGCTTTTTGGCTGGAGCTGTTCTCACCTGCTGCTTA[T>C]ATCTTTTTAAAGGTAAGAATAAAATAAAATAGCAAATTTCCTTGCCTCCACTATCGTTTT-3'
Protein context (NP_006571.2, residues 178-198): LAGAVLTCCL[Tyr188His]LFKDVGPERN